The following is an entry in ClinVar:

NM_015295.3(SMCHD1):c.2021C>G (p.Ala674Gly)

Gene: SMCHD1 (structural maintenance of chromosomes flexible hinge domain containing 1; plus strand). Cytogenetic location: 18p11.32.
Variant type: single nucleotide variant.
Coding change: c.2021C>G on transcript NM_015295.3 (MANE Select); coding-DNA position 2021, C replaced by G.
Protein change: p.Ala674Gly; replaces alanine 674 with glycine.
Molecular consequence: missense variant.
Genome position (GRCh38, 1-based): chr18:2,706,428, C>G. VCF-style: chr18-2706428-C-G. GRCh37 (hg19) VCF-style: chr18-2706426-C-G.
Other names: short protein forms A674G.
Identifiers: ClinVar variation 1498960 (VCV001498960.8), dbSNP rs2074515864, ClinGen allele CA401679877.

ClinVar aggregate classification (germline): Uncertain significance (1 of 4 stars; one submission).

Conditions:
Facioscapulohumeral muscular dystrophy 2 (FSHD2). Also called: MUSCULAR DYSTROPHY, FACIOSCAPULOHUMERAL, TYPE 1B; FACIOSCAPULOHUMERAL MUSCULAR DYSTROPHY 2, DIGENIC; FSHD2, DIGENIC. Identifiers: Orphanet 269, MedGen C1834671, MONDO:0008031, OMIM 158901.

Allele frequency attached by ClinVar (database versions not stated): gnomAD 0.00001.
gnomAD v4.1: 1 of 1,591,640 alleles (0.000063%); highest among the groups gnomAD compares: Non-Finnish European, 0.000086%; no homozygotes.

Submission:

Labcorp Genetics (formerly Invitae), Labcorp
Classification: Uncertain significance for Facioscapulohumeral muscular dystrophy 2. Last evaluated: 2021-05-31. Review status: criteria provided, single submitter. Criteria: Invitae Variant Classification Sherloc (09022015). Collection method: clinical testing. Allele origin: germline.
Comment: This variant is not present in population databases (ExAC no frequency). In summary, the available evidence is currently insufficient to determine the role of this variant in disease. Therefore, it has been classified as a Variant of Uncertain Significance. Algorithms developed to predict the effect of sequence changes on RNA splicing suggest that this variant may create or strengthen a splice site, but this prediction has not been confirmed by published transcriptional studies. Algorithms developed to predict the effect of missense changes on protein structure and function are either unavailable or do not agree on the potential impact of this missense change (SIFT: "Deleterious"; PolyPhen-2: "Benign"; Align-GVGD: "Class C0"). This variant has not been reported in the literature in individuals with SMCHD1-related conditions. This sequence change replaces alanine with glycine at codon 674 of the SMCHD1 protein (p.Ala674Gly). The alanine residue is moderately conserved and there is a small physicochemical difference between alanine and glycine.